The following is an entry in ClinVar:

NM_005055.5(RAPSN):c.1070dup (p.Glu358fs)

Gene: RAPSN (receptor associated protein of the synapse; minus strand). Cytogenetic location: 11p11.2.
Variant type: Duplication.
Coding change: c.1070dup on transcript NM_005055.5 (MANE Select); coding-DNA position 1070, one base duplicated (A; older notation c.1070dupA).
Protein change: p.Glu358fs; shifts the reading frame from glutamic acid 358.
Molecular consequence: frameshift variant.
Genome position (GRCh38, 1-based): chr11:47,438,828, T duplicated on the plus strand (A on the coding strand, the reverse complement: RAPSN is on the minus strand). VCF-style (leftmost placement, unchanged base first): chr11-47438827-C-CT. GRCh37 (hg19) VCF-style: chr11-47460378-C-CT.
Other names: c.893dup, p.Glu299fs (NM_032645.5); short protein forms E299fs, E358fs.
Identifiers: ClinVar variation 1347110 (VCV001347110.9), dbSNP rs1475015182, ClinGen allele CA599374641.
Genomic context (GRCh38, chr11:47,438,827, plus strand): 5'-CAGCCGGCTGTTCTTCTCGCCTATGGACTCGCCGCACAGGCCGCAGTAGAGCTCCGTCTC[C>CT]TCCACGCACTCGTGGAACCTCACAACGTGCGCCCGCAGTTCCCGCTGCAGCCCTTTGCTG-3'

ClinVar aggregate classification (germline): Likely pathogenic. Review status: criteria provided, multiple submitters, no conflicts (2 of 4 stars). 2 submissions from 2 submitters: Likely pathogenic (2). Last evaluated 2024-03-20.

Conditions:
Congenital myasthenic syndrome 11. Also called: Myasthenic syndrome, congenital, 11, associated with acetylcholine receptor deficiency; MYASTHENIC SYNDROME, CONGENITAL, Ie. Identifiers: Orphanet 590, MedGen C4225367, MONDO:0014588, OMIM 616326.
Fetal akinesia deformation sequence 2. Identifiers: MedGen C4760576, MONDO:0100102, OMIM 618388.
Fetal akinesia deformation sequence 1 (FADS1). Also called: Pena-Shokeir syndrome type I; Fetal akinesia sequence. Identifiers: Orphanet 994, MedGen C1276035, MONDO:0100101, OMIM 208150, HP:0001989.

Allele frequency attached by ClinVar (database versions not stated): gnomAD exomes 0.00001.

Submissions (2):

Fulgent Genetics
Classification: Likely pathogenic for Congenital myasthenic syndrome 11; Fetal akinesia deformation sequence 2. Last evaluated: 2024-03-20. Review status: criteria provided, single submitter. Criteria: ACMG Guidelines, 2015. Collection method: clinical testing. Allele origin: germline.

Labcorp Genetics (formerly Invitae), Labcorp
Classification: Likely pathogenic for Congenital myasthenic syndrome 11; Fetal akinesia deformation sequence 1. Last evaluated: 2021-03-09. Review status: criteria provided, single submitter. Criteria: Invitae Variant Classification Sherloc (09022015). Collection method: clinical testing. Allele origin: germline.
Comment: This sequence change results in a frameshift in the RAPSN gene (p.Glu358Glyfs*119). While this is not anticipated to result in nonsense mediated decay, it is expected to disrupt the last 55 amino acid(s) of the RAPSN protein and extend the protein by 63 additional amino acid residues. This variant is not present in population databases (ExAC no frequency). This variant has not been reported in the literature in individuals with RAPSN-related conditions. This variant disrupts the p.Lys373 amino acid residue in RAPSN. Other variant(s) that disrupt this residue have been determined to be pathogenic (PMID: 16945936, 19620612, Invitae). This suggests that this residue is clinically significant, and that variants that disrupt this residue are likely to be disease-causing. In summary, the currently available evidence indicates that the variant is pathogenic, but additional data are needed to prove that conclusively. Therefore, this variant has been classified as Likely Pathogenic.

Literature cited by the submitters: PubMed 16945936 (cited by Labcorp Genetics (formerly Invitae), Labcorp); PubMed 19620612 (cited by Labcorp Genetics (formerly Invitae), Labcorp).